The following is an entry in ClinVar:

ClinVar aggregate classification (germline): Uncertain significance (1 of 4 stars; one submission).

gnomAD v4.1: 3 of 1,612,422 alleles (0.00019%); highest among the groups gnomAD compares: Non-Finnish European, 0.00025%; no homozygotes.

Submission:

Labcorp Genetics (formerly Invitae), Labcorp
Classification: Uncertain significance. Last evaluated: 2025-08-08. Review status: criteria provided, single submitter. Criteria: Invitae Variant Classification Sherloc (09022015). Collection method: clinical testing. Allele origin: germline.
Comment: This sequence change replaces glutamine, which is neutral and polar, with histidine, which is basic and polar, at codon 1601 of the DOCK6 protein (p.Gln1601His). The frequency data for this variant in the population databases is considered unreliable, as metrics indicate poor data quality at this position in the gnomAD database. This variant has not been reported in the literature in individuals affected with DOCK6-related conditions. Invitae Evidence Modeling of protein sequence and biophysical properties (such as structural, functional, and spatial information, amino acid conservation, physicochemical variation, residue mobility, and thermodynamic stability) indicates that this missense variant is expected to disrupt DOCK6 protein function with a positive predictive value of 80%. In summary, the available evidence is currently insufficient to determine the role of this variant in disease. Therefore, it has been classified as a Variant of Uncertain Significance.

NM_020812.4(DOCK6):c.4803G>T (p.Gln1601His)

Genes: DOCK6 (dedicator of cytokinesis 6; minus strand), DOCK6-AS1 (DOCK6 antisense RNA 1; plus strand). Cytogenetic location: 19p13.2.
Variant type: single nucleotide variant.
Coding change: c.4803G>T on transcript NM_020812.4 (MANE Select); coding-DNA position 4803, G replaced by T.
Protein change: p.Gln1601His; replaces glutamine 1601 with histidine.
Molecular consequence: missense variant.
Genome position (GRCh38, 1-based): chr19:11,209,052, C>A on the plus strand (G>T on the coding strand, the complement: DOCK6 is on the minus strand). VCF-style: chr19-11209052-C-A. GRCh37 (hg19) VCF-style: chr19-11319728-C-A.
Other names: c.4908G>T, p.Gln1636His (NM_001367830.1); short protein forms Q1636H, Q1601H.
Identifiers: ClinVar variation 4693984 (VCV004693984.1).